The following is an entry in ClinVar:

ClinVar aggregate classification (germline): Pathogenic (1 of 4 stars; one submission).

Submission:

GeneDx
Classification: Pathogenic. Last evaluated: 2024-04-01. Review status: criteria provided, single submitter. Criteria: GeneDx Variant Classification Process June 2021. Collection method: clinical testing. Allele origin: germline. Affected: yes.
Comment: Frameshift variant predicted to result in protein truncation or nonsense mediated decay in a gene for which loss-of-function is a known mechanism of disease; Not observed at significant frequency in large population cohorts (gnomAD); Has not been previously published as pathogenic or benign to our knowledge

NM_001371623.1(TCOF1):c.3963_3964del (p.Glu1322fs)

Gene: TCOF1 (treacle ribosome biogenesis factor 1; plus strand). Cytogenetic location: 5q32.
Variant type: Deletion.
Coding change: c.3963_3964del on transcript NM_001371623.1 (MANE Select); coding-DNA positions 3963 to 3964, 2 bases deleted (TG; older notation c.3963_3964delTG).
Protein change: p.Glu1322fs; shifts the reading frame from glutamic acid 1322.
Molecular consequence: frameshift variant.
Genome position (GRCh38, 1-based): chr5:150,396,460-150,396,461, TG deleted. VCF-style (leftmost placement, unchanged base first): chr5-150396459-CTG-C. GRCh37 (hg19) VCF-style: chr5-149776022-CTG-C.
Other names: c.3729_3730del, p.Glu1244fs (NM_000356.4); c.3960_3961del, p.Glu1321fs (NM_001135243.2); c.3849_3850del, p.Glu1284fs (NM_001135244.2); c.3732_3733del, p.Glu1245fs (NM_001135245.2); c.3846_3847del, p.Glu1283fs (NM_001195141.2); c.3960_3961delTG (NM_001135243.1); c.3960_3961del (NM_001135243.1); short protein forms E1244fs, E1283fs, E1245fs, E1284fs, E1321fs, E1322fs.
Identifiers: ClinVar variation 423736 (VCV000423736.4), dbSNP rs1064796606, ClinGen allele CA16618142.
Genomic context (GRCh38, chr5:150,396,459, plus strand): 5'-TGGGCCAACCCTGGCCCCTGAATGAGGCCCAGGTGCAGGCCTCAGTGGTGAAGGTCCTGA[CTG>C]AGCTGCTGGAACAGGAAAGAAAGAAGGTGGTGGACACCACCAAGGAGAGCAGCAGGAAGG-3'